The following is an entry in ClinVar:

NM_004360.5(CDH1):c.835A>T (p.Thr279Ser)

Gene: CDH1 (cadherin 1; plus strand). Cytogenetic location: 16q22.1.
Variant type: single nucleotide variant.
Coding change: c.835A>T on transcript NM_004360.5 (MANE Select); coding-DNA position 835, A replaced by T.
Protein change: p.Thr279Ser; replaces threonine 279 with serine.
Molecular consequence: missense variant. On other transcripts: 5 prime UTR variant (2).
Genome position (GRCh38, 1-based): chr16:68,811,686, A>T. VCF-style: chr16-68811686-A-T. GRCh37 (hg19) VCF-style: chr16-68845589-A-T.
Other names: c.835A>T, p.Thr279Ser (NM_001317184.2); c.-781A>T (NM_001317185.2); c.-985A>T (NM_001317186.2); short protein forms T279S.
Identifiers: ClinVar variation 928063 (VCV000928063.9), dbSNP rs1444822940, ClinGen allele CA396459543.

ClinVar aggregate classification (germline): Uncertain significance. Review status: criteria provided, multiple submitters, no conflicts (2 of 4 stars). 2 submissions from 2 submitters: Uncertain significance (2). Last evaluated 2025-04-21.

Conditions:
Hereditary diffuse gastric adenocarcinoma (HDGC). Also called: DIFFUSE GASTRIC AND LOBULAR BREAST CANCER SYNDROME. Identifiers: Orphanet 26106, MedGen C1708349, MONDO:0007648, OMIM 137215.
Hereditary cancer-predisposing syndrome. Also called: Tumor predisposition; Hereditary neoplastic syndrome; Neoplastic Syndromes, Hereditary; Hereditary Cancer Syndrome. Identifiers: Orphanet 140162, MedGen C0027672, MeSH D009386, MONDO:0015356.

Submissions (2):

Labcorp Genetics (formerly Invitae), Labcorp
Classification: Uncertain significance for Hereditary diffuse gastric adenocarcinoma. Last evaluated: 2025-04-21. Review status: criteria provided, single submitter. Criteria: Invitae Variant Classification Sherloc (09022015). Collection method: clinical testing. Allele origin: germline.
Comment: This sequence change replaces threonine, which is neutral and polar, with serine, which is neutral and polar, at codon 279 of the CDH1 protein (p.Thr279Ser). This variant is not present in population databases (gnomAD no frequency). This variant has not been reported in the literature in individuals affected with CDH1-related conditions. ClinVar contains an entry for this variant (Variation ID: 928063). An algorithm developed to predict the effect of missense changes on protein structure and function (PolyPhen-2) suggests that this variant is likely to be disruptive. In summary, the available evidence is currently insufficient to determine the role of this variant in disease. Therefore, it has been classified as a Variant of Uncertain Significance.

Color Diagnostics, LLC DBA Color Health
Classification: Uncertain significance for Hereditary cancer-predisposing syndrome. Last evaluated: 2019-07-19. Review status: criteria provided, single submitter. Criteria: ACMG Guidelines, 2015. Collection method: clinical testing. Allele origin: germline.
Comment: This missense variant replaces threonine with serine at codon 279 of the CDH1 protein. Computational prediction tools and conservation analyses are inconclusive regarding the impact of this variant on the protein function. Computational splicing tools suggest that this variant may not impact RNA splicing. To our knowledge, functional assays have not been performed for this variant nor has this variant been reported in individuals affected with hereditary cancer in the literature. This variant has not been identified in the general population by the Genome Aggregation Database (gnomAD). Available evidence is insufficient to determine the role of this variant in disease conclusively. Therefore, this variant is classified as a Variant of Uncertain Significance.